The following is an entry in ClinVar:

ClinVar aggregate classification (germline): Uncertain significance (1 of 4 stars; one submission).

Submission:

GeneDx
Classification: Uncertain significance. Last evaluated: 2024-11-18. Review status: criteria provided, single submitter. Criteria: GeneDx Variant Classification Process June 2021. Collection method: clinical testing. Allele origin: germline. Affected: yes.
Comment: Not observed at significant frequency in large population cohorts (gnomAD); In silico analysis supports that this missense variant has a deleterious effect on protein structure/function; Has not been previously published as pathogenic or benign to our knowledge

NM_001393769.1(MED12L):c.5026G>A (p.Gly1676Ser)

Gene: MED12L (mediator complex subunit 12L; plus strand). Cytogenetic location: 3q25.1.
Variant type: single nucleotide variant.
Coding change: c.5026G>A on transcript NM_001393769.1 (MANE Select); coding-DNA position 5026, G replaced by A.
Protein change: p.Gly1676Ser; replaces glycine 1676 with serine.
Molecular consequence: missense variant.
Genome position (GRCh38, 1-based): chr3:151,385,129, G>A. VCF-style: chr3-151385129-G-A. GRCh37 (hg19) VCF-style: chr3-151102917-G-A.
Other names: c.4921G>A, p.Gly1641Ser (NM_053002.6); short protein forms G1641S, G1676S.
Identifiers: ClinVar variation 3899819 (VCV003899819.1).